The following is an entry in ClinVar:

NM_001128840.3(CACNA1D):c.2436T>G (p.Asp812Glu)

Gene: CACNA1D (calcium voltage-gated channel subunit alpha1 D; plus strand). Cytogenetic location: 3p21.1.
Variant type: single nucleotide variant.
Coding change: c.2436T>G on transcript NM_001128840.3 (MANE Select); coding-DNA position 2436, T replaced by G.
Protein change: p.Asp812Glu; replaces aspartic acid 812 with glutamic acid.
Molecular consequence: missense variant.
Genome position (GRCh38, 1-based): chr3:53,732,045, T>G. VCF-style: chr3-53732045-T-G. GRCh37 (hg19) VCF-style: chr3-53766072-T-G.
Other names: c.2496T>G, p.Asp832Glu (NM_000720.4); c.2436T>G, p.Asp812Glu (NM_001128839.3); short protein forms D812E, D832E.
Identifiers: ClinVar variation 1490421 (VCV001490421.5), dbSNP rs2094998442, ClinGen allele CA353241066.

ClinVar aggregate classification (germline): Uncertain significance (1 of 4 stars; one submission).

Allele frequency attached by ClinVar (database versions not stated): TOPMed 0.00001.

Submission:

Labcorp Genetics (formerly Invitae), Labcorp
Classification: Uncertain significance. Last evaluated: 2024-11-30. Review status: criteria provided, single submitter. Criteria: Invitae Variant Classification Sherloc (09022015). Collection method: clinical testing. Allele origin: germline.
Comment: This sequence change replaces aspartic acid, which is acidic and polar, with glutamic acid, which is acidic and polar, at codon 832 of the CACNA1D protein (p.Asp832Glu). This variant is not present in population databases (gnomAD no frequency). This variant has not been reported in the literature in individuals affected with CACNA1D-related conditions. ClinVar contains an entry for this variant (Variation ID: 1490421). Invitae Evidence Modeling of protein sequence and biophysical properties (such as structural, functional, and spatial information, amino acid conservation, physicochemical variation, residue mobility, and thermodynamic stability) indicates that this missense variant is not expected to disrupt CACNA1D protein function with a negative predictive value of 80%. In summary, the available evidence is currently insufficient to determine the role of this variant in disease. Therefore, it has been classified as a Variant of Uncertain Significance.